The following is an entry in ClinVar:

NM_001267550.2(TTN):c.10922T>C (p.Ile3641Thr)

Gene: TTN (titin; minus strand). Cytogenetic location: 2q31.2.
Variant type: single nucleotide variant.
Coding change: c.10922T>C on transcript NM_001267550.2 (MANE Select); coding-DNA position 10922, T replaced by C.
Protein change: p.Ile3641Thr; replaces isoleucine 3641 with threonine.
Molecular consequence: missense variant. On other transcripts: intron variant (5).
Genome position (GRCh38, 1-based): chr2:178,756,554, A>G on the plus strand (T>C on the coding strand, the complement: TTN is on the minus strand). VCF-style: chr2-178756554-A-G. GRCh37 (hg19) VCF-style: chr2-179621281-A-G.
Other names: p.I3470T:ATT>ACT; c.10303+2430T>C (NM_001256850.1, NM_133378.4, NM_133379.5); c.10409T>C, p.Ile3470Thr (NM_133437.4); c.10165+2430T>C (NM_003319.4); c.10540+988T>C (NM_133432.3); short protein forms I3641T, I3470T.
Identifiers: ClinVar variation 47849 (VCV000047849.64), dbSNP rs141027782, ClinGen allele CA142036.
Genomic context (GRCh38, chr2:178,756,554, plus strand): 5'-TTGGGCGCCTCACCCGTGGACTCTTTAGCACATTCCTTAGATAGCTCAGTGCTTTCTGCA[A>G]TTTGTGAAAGGGATGCAGTATGGCACAACTGTGTATCTTGAACAGATGCAGCTGTGTGGA-3'
Protein context (NP_001254479.2, residues 3631-3651): QLCHTASLSQ[Ile3641Thr]AESTELSKEC

ClinVar aggregate classification (germline): Conflicting classifications of pathogenicity. Review status: criteria provided, conflicting classifications (1 of 4 stars). 8 submissions from 8 submitters: Uncertain significance (3); Likely benign (5). Last evaluated 2026-01-13.

Conditions:
TTN-related disorder. Also called: TTN-related disorders; TTN-related condition; TTN-related disease.
Autosomal recessive limb-girdle muscular dystrophy type 2J (LGMDR10). Also called: MUSCULAR DYSTROPHY, LIMB-GIRDLE, AUTOSOMAL RECESSIVE 10; Limb-girdle muscular dystrophy, type 2J. Identifiers: Orphanet 140922, MedGen C1837342, MONDO:0012127, OMIM 608807.
Dilated cardiomyopathy 1G (CMD1G). Identifiers: Orphanet 154, MedGen C1858763, MONDO:0011400, OMIM 604145.

Allele frequency attached by ClinVar (database versions not stated): gnomAD exomes 0.00004 and 0.00014; ExAC 0.00016; ESP Exome Variant Server 0.00033; TOPMed 0.00036; gnomAD 0.00044 and 0.00045; 1000 Genomes Project 0.00060; 1000 Genomes Project 30x 0.00078.
gnomAD v4.1: 134 of 1,611,622 alleles (0.0083%); highest among the groups gnomAD compares: African/African-American, 0.12%; no homozygotes.

Submissions (8):

Labcorp Genetics (formerly Invitae), Labcorp
Classification: Likely benign for Dilated cardiomyopathy 1G; Autosomal recessive limb-girdle muscular dystrophy type 2J. Last evaluated: 2026-01-13. Review status: criteria provided, single submitter. Criteria: Invitae Variant Classification Sherloc (09022015). Collection method: clinical testing. Allele origin: germline.

PreventionGenetics, part of Exact Sciences
Classification: Likely benign for TTN-related condition. Last evaluated: 2025-05-27. Review status: criteria provided, single submitter. Criteria: ACMG Guidelines, 2015. Collection method: clinical testing. Allele origin: germline.
Comment: This variant is classified as likely benign based on ACMG/AMP sequence variant interpretation guidelines (Richards et al. 2015 PMID: 25741868, with internal and published modifications).

Molecular Diagnostic Laboratory for Inherited Cardiovascular Disease, Montreal Heart Institute
Classification: Likely benign. Last evaluated: 2025-04-09. Review status: criteria provided, single submitter. Criteria: ACMG Guidelines, 2015. Collection method: clinical testing. Allele origin: germline. Affected: no.

Blueprint Genetics
Classification: Likely benign. Last evaluated: 2024-10-09. Review status: criteria provided, single submitter. Criteria: ACMG Guidelines, 2015. Collection method: clinical testing. Allele origin: germline.

ARUP Laboratories, Molecular Genetics and Genomics, ARUP Laboratories
Classification: Uncertain significance. Last evaluated: 2022-09-20. Review status: criteria provided, single submitter. Criteria: ARUP Molecular Germline Variant Investigation Process 2021. Collection method: clinical testing. Allele origin: germline.
Comment: The TTN c.10922T>C; p.Ile3641Thr variant (rs141027782; ClinVar Variation ID: 47849) is rare in the general population (<0.2% allele frequency in the Genome Aggregation Database) and has not been reported in the medical literature in association with dilated cardiomyopathy (DCM) or other TTN-related disease. The clinical relevance of rare missense variants in this gene, which are identified on average once per individual sequenced in affected populations (Herman 2012), is not well understood. Yet, evidence suggests that the vast majority of such missense variants do not contribute to the clinical outcome of DCM (Begay 2015). Thus, the clinical significance of the p.Ile3641Thr variant cannot be determined with certainty. References: Begay RL et al. Role of Titin Missense Variants in Dilated Cardiomyopathy. J Am Heart Assoc. 2015 Nov 13;4(11). PMID: 26567375. Herman DS et al. Truncations of titin causing dilated cardiomyopathy. N Engl J Med. 2012 Feb 16;366(7):619-28. PMID: 22335739. Linke WA and Hamdani N. Gigantic business: titin properties and function through thick and thin. Circ Res 2014; 114(6): 1052-1068. PMID: 24625729.

CeGaT Center for Human Genetics Tuebingen
Classification: Uncertain significance. Last evaluated: 2016-06-01. Review status: criteria provided, single submitter. Criteria: CeGaT Center For Human Genetics Tuebingen Variant Classification Criteria Version 2. Collection method: clinical testing. Allele origin: germline. Affected: yes. Observed: 1 variant allele.

GeneDx
Classification: Uncertain significance. Last evaluated: 2015-12-01. Review status: criteria provided, single submitter. Criteria: GeneDx Variant Classification (06012015). Collection method: clinical testing. Allele origin: germline. Affected: yes.
Comment: Missense variants in the TTN gene are considered 'unclassified' if they are not previously reported in the literature and do not have >1% frequency in the population to be considered a polymorphism. Research indicates that truncating mutations in the TTN gene are expected to account for approximately 25% of familial and 18% of sporadic idiopathic DCM; however, truncating variants in the TTN gene have been reported in approximately 3% of reported control alleles. There has been little investigation into non-truncating variants. (Herman D et al. Truncations of titin causing dilated cardiomyopathy. N Eng J Med 366:619-628, 2012) The variant is found in CARDIOMYOPATHY panel(s).

Laboratory for Molecular Medicine, Mass General Brigham Personalized Medicine
Classification: Likely benign. Last evaluated: 2012-12-18. Review status: criteria provided, single submitter. Criteria: LMM Criteria. Collection method: clinical testing. Allele origin: germline. Observed: 2 variant alleles.
Comment: Ile3470Thr in exon 44B of TTN: This variant is not expected to have clinical sig nificance because it has been identified in 2.6% (5/192) of Luhya chromosomes fr om a broad population by the 1000 Genomes project (dbSNP rs141027782). Ile3470T hr in exon 44B of TTN (rs141027782; allele frequency = 2.6%, 5/192)